The following is an entry in ClinVar:

ClinVar aggregate classification (germline): Uncertain significance (1 of 4 stars; one submission).

gnomAD v4.1: 23 of 1,590,496 alleles (0.0014%); no homozygotes.

Submission:

Labcorp Genetics (formerly Invitae), Labcorp
Classification: Uncertain significance. Last evaluated: 2025-08-11. Review status: criteria provided, single submitter. Criteria: Invitae Variant Classification Sherloc (09022015). Collection method: clinical testing. Allele origin: germline.
Comment: This sequence change replaces alanine, which is neutral and non-polar, with threonine, which is neutral and polar, at codon 2788 of the DCHS1 protein (p.Ala2788Thr). This variant is present in population databases (rs760381368, gnomAD 0.04%). This variant has not been reported in the literature in individuals affected with DCHS1-related conditions. Invitae Evidence Modeling of protein sequence and biophysical properties (such as structural, functional, and spatial information, amino acid conservation, physicochemical variation, residue mobility, and thermodynamic stability) indicates that this missense variant is expected to disrupt DCHS1 protein function with a positive predictive value of 80%. In summary, the available evidence is currently insufficient to determine the role of this variant in disease. Therefore, it has been classified as a Variant of Uncertain Significance.

NM_003737.4(DCHS1):c.8362G>A (p.Ala2788Thr)

Gene: DCHS1 (dachsous cadherin-related 1; minus strand). Cytogenetic location: 11p15.4.
Variant type: single nucleotide variant.
Coding change: c.8362G>A on transcript NM_003737.4 (MANE Select); coding-DNA position 8362, G replaced by A.
Protein change: p.Ala2788Thr; replaces alanine 2788 with threonine.
Molecular consequence: missense variant.
Genome position (GRCh38, 1-based): chr11:6,623,314, C>T on the plus strand (G>A on the coding strand, the complement: DCHS1 is on the minus strand). VCF-style: chr11-6623314-C-T. GRCh37 (hg19) VCF-style: chr11-6644545-C-T.
Other names: short protein forms A2788T.
Identifiers: ClinVar variation 4760243 (VCV004760243.1).